The following is an entry in ClinVar:

ClinVar aggregate classification (germline): Uncertain significance. Review status: criteria provided, multiple submitters, no conflicts (2 of 4 stars). 2 submissions from 2 submitters: Uncertain significance (2). Last evaluated 2025-10-22.

Conditions:
Inborn genetic diseases. Identifiers: MedGen C0950123, MeSH D030342.

Allele frequency attached by ClinVar (database versions not stated): gnomAD exomes 0.00001; gnomAD 0.00003; TOPMed 0.00004.
gnomAD v4.1: 11 of 1,613,500 alleles (0.00068%); highest among the groups gnomAD compares: Admixed American, 0.018%; no homozygotes.

Submissions (2):

Ambry Genetics
Classification: Uncertain significance for Inborn genetic diseases. Last evaluated: 2025-10-22. Review status: criteria provided, single submitter. Criteria: Ambry Variant Classification Scheme 2023. Collection method: clinical testing. Allele origin: germline.

Labcorp Genetics (formerly Invitae), Labcorp
Classification: Uncertain significance. Last evaluated: 2022-07-29. Review status: criteria provided, single submitter. Criteria: Invitae Variant Classification Sherloc (09022015). Collection method: clinical testing. Allele origin: germline.
Comment: This sequence change replaces proline, which is neutral and non-polar, with serine, which is neutral and polar, at codon 2216 of the SPEG protein (p.Pro2216Ser). This variant is present in population databases (no rsID available, gnomAD 0.006%). This variant has not been reported in the literature in individuals affected with SPEG-related conditions. Algorithms developed to predict the effect of missense changes on protein structure and function are either unavailable or do not agree on the potential impact of this missense change (SIFT: "Deleterious"; PolyPhen-2: "Benign"; Align-GVGD: "Class C0"). In summary, the available evidence is currently insufficient to determine the role of this variant in disease. Therefore, it has been classified as a Variant of Uncertain Significance.

NM_005876.5(SPEG):c.6646C>T (p.Pro2216Ser)

Genes: ASIC4-AS1 (ASIC4 antisense RNA 1; minus strand), SPEG (striated muscle enriched protein kinase; plus strand). Cytogenetic location: 2q35.
Variant type: single nucleotide variant.
Coding change: c.6646C>T on transcript NM_005876.5 (MANE Select); coding-DNA position 6646, C replaced by T.
Protein change: p.Pro2216Ser; replaces proline 2216 with serine.
Molecular consequence: missense variant.
Genome position (GRCh38, 1-based): chr2:219,484,109, C>T. VCF-style: chr2-219484109-C-T. GRCh37 (hg19) VCF-style: chr2-220348831-C-T.
Other names: short protein forms P2216S.
Identifiers: ClinVar variation 2082933 (VCV002082933.3), dbSNP rs967876204, ClinGen allele CA65991305.